The following is an entry in ClinVar:

ClinVar aggregate classification (germline): Benign/Likely benign. Review status: criteria provided, multiple submitters, no conflicts (2 of 4 stars). 3 submissions from 3 submitters: Benign (1); Likely benign (2). Last evaluated 2025-12-01.

Conditions:
Cowden syndrome (CS). Also called: Cowden's disease; Cowden's syndrome; Cowden disease. Identifiers: Orphanet 201, MedGen C0018553, MONDO:0016063. Disease mechanism: gain of function.

Submissions (3):

CeGaT Center for Human Genetics Tuebingen
Classification: Likely benign. Last evaluated: 2025-12-01. Review status: criteria provided, single submitter. Criteria: CeGaT Center For Human Genetics Tuebingen Variant Classification Criteria Version 2. Collection method: clinical testing. Allele origin: germline. Affected: yes. Observed: 1 variant allele.
Comment: PIK3CA: BP4, BS1

Blueprint Genetics
Classification: Likely benign. Last evaluated: 2024-05-13. Review status: criteria provided, single submitter. Criteria: ACMG Guidelines, 2015. Collection method: clinical testing. Allele origin: germline.

Labcorp Genetics (formerly Invitae), Labcorp
Classification: Benign for Cowden syndrome. Last evaluated: 2024-02-09. Review status: criteria provided, single submitter. Criteria: Invitae Variant Classification Sherloc (09022015). Collection method: clinical testing. Allele origin: germline.

NM_006218.4(PIK3CA):c.2188-7dup

Gene: PIK3CA (phosphatidylinositol-4,5-bisphosphate 3-kinase catalytic subunit alpha; plus strand). Cytogenetic location: 3q26.32.
Variant type: Duplication.
Coding change: c.2188-7dup on transcript NM_006218.4 (MANE Select); 7 bases into the intron before coding-DNA position 2188, one base duplicated (T; older notation c.2188-7dupT).
Molecular consequence: intron variant.
Genome position (GRCh38, 1-based): chr3:179,224,074, T duplicated; the last of 9 consecutive T bases (chr3:179,224,066-179,224,074); duplicating any one gives the same sequence. VCF-style (leftmost placement, unchanged base first): chr3-179224065-C-CT. GRCh37 (hg19) VCF-style: chr3-178941853-C-CT.
Identifiers: ClinVar variation 1600655 (VCV001600655.14), dbSNP rs35213509, ClinGen allele CA2710900.